The following is an entry in ClinVar:

NM_002474.3(MYH11):c.5299G>C (p.Glu1767Gln)

Genes: NDE1 (nudE neurodevelopment protein 1; plus strand), MYH11 (myosin heavy chain 11; minus strand). Cytogenetic location: 16p13.11.
Variant type: single nucleotide variant.
Coding change: c.5299G>C on transcript NM_002474.3 (MANE Select); coding-DNA position 5299, G replaced by C.
Protein change: p.Glu1767Gln; replaces glutamic acid 1767 with glutamine.
Molecular consequence: missense variant. On other transcripts: intron variant (2).
Genome position (GRCh38, 1-based): chr16:15,717,345, C>G on the plus strand (G>C on the coding strand, the complement: MYH11 is on the minus strand). VCF-style: chr16-15717345-C-G. GRCh37 (hg19) VCF-style: chr16-15811202-C-G.
Other names: c.5320G>C, p.Glu1774Gln (NM_001040113.2, NM_001040114.2); c.5299G>C, p.Glu1767Gln (NM_022844.3); c.948-6846C>G (NM_001143979.2, NM_017668.3); short protein forms E1767Q, E1774Q.
Identifiers: ClinVar variation 1746665 (VCV001746665.2), dbSNP rs377663370, ClinGen allele CA394849474.

ClinVar aggregate classification (germline): Uncertain significance (1 of 4 stars; one submission).

Conditions:
Familial thoracic aortic aneurysm and aortic dissection (TAAD). Also called: Thoracic aortic aneurysms and dissections. Identifiers: Orphanet 91387, MedGen C4707243, MONDO:0019625.

Submission:

Ambry Genetics
Classification: Uncertain significance for Familial thoracic aortic aneurysm and aortic dissection. Last evaluated: 2021-11-04. Review status: criteria provided, single submitter. Criteria: Ambry Variant Classification Scheme 2023. Collection method: clinical testing. Allele origin: germline.
Comment: The p.E1767Q variant (also known as c.5299G>C), located in coding exon 37 of the MYH11 gene, results from a G to C substitution at nucleotide position 5299. The glutamic acid at codon 1767 is replaced by glutamine, an amino acid with highly similar properties. This amino acid position is conserved. In addition, this alteration is predicted to be tolerated by in silico analysis. Since supporting evidence is limited at this time, the clinical significance of this alteration remains unclear.